The following is an entry in ClinVar:

ClinVar aggregate classification (germline): Uncertain significance. Review status: criteria provided, multiple submitters, no conflicts (2 of 4 stars). 2 submissions from 2 submitters: Uncertain significance (2). Last evaluated 2025-12-11.

Conditions:
Cardiovascular phenotype. Identifiers: MedGen CN230736.
Long QT syndrome (LQTS). Identifiers: MedGen C0023976, MeSH D008133, MONDO:0002442. Disease mechanism: loss of function. Inheritance: Various modes of inheritance.

Submissions (2):

Ambry Genetics
Classification: Uncertain significance for Cardiovascular phenotype. Last evaluated: 2025-12-11. Review status: criteria provided, single submitter. Criteria: Ambry Variant Classification Scheme 2023. Collection method: clinical testing. Allele origin: germline.
Comment: The p.C2100Y variant (also known as c.6299G>A), located in coding exon 47 of the CACNA1C gene, results from a G to A substitution at nucleotide position 6299. The cysteine at codon 2100 is replaced by tyrosine, an amino acid with highly dissimilar properties. This amino acid position is conserved. In addition, this alteration is predicted to be tolerated by in silico analysis. Based on the available evidence, the clinical significance of this variant remains unclear.

Labcorp Genetics (formerly Invitae), Labcorp
Classification: Uncertain significance for Long QT syndrome. Last evaluated: 2024-12-04. Review status: criteria provided, single submitter. Criteria: Invitae Variant Classification Sherloc (09022015). Collection method: clinical testing. Allele origin: germline.
Comment: This sequence change replaces cysteine, which is neutral and slightly polar, with tyrosine, which is neutral and polar, at codon 2100 of the CACNA1C protein (p.Cys2100Tyr). This variant is not present in population databases (gnomAD no frequency). This variant has not been reported in the literature in individuals affected with CACNA1C-related conditions. Invitae Evidence Modeling of protein sequence and biophysical properties (such as structural, functional, and spatial information, amino acid conservation, physicochemical variation, residue mobility, and thermodynamic stability) indicates that this missense variant is not expected to disrupt CACNA1C protein function with a negative predictive value of 95%. In summary, the available evidence is currently insufficient to determine the role of this variant in disease. Therefore, it has been classified as a Variant of Uncertain Significance.

NM_000719.7(CACNA1C):c.6299G>A (p.Cys2100Tyr)

Genes: CACNA1C (calcium voltage-gated channel subunit alpha1 C; plus strand), CACNA1C-AS1 (CACNA1C antisense RNA 1; minus strand). Cytogenetic location: 12p13.33.
Variant type: single nucleotide variant.
Coding change: c.6299G>A on transcript NM_000719.7 (MANE Select); coding-DNA position 6299, G replaced by A.
Protein change: p.Cys2100Tyr; replaces cysteine 2100 with tyrosine.
Molecular consequence: missense variant. On other transcripts: non-coding transcript variant (1).
Genome position (GRCh38, 1-based): chr12:2,691,081, G>A. VCF-style: chr12-2691081-G-A. GRCh37 (hg19) VCF-style: chr12-2800247-G-A.
Other names: c.6266G>A, p.Cys2089Tyr (NM_001129846.2); c.6299G>A, p.Cys2100Tyr (NM_001167623.2, NM_001129840.2, NM_001129841.2 and 2 more transcripts); c.6404G>A, p.Cys2135Tyr (NM_001167624.3, NM_001129830.3); c.6479G>A, p.Cys2160Tyr (NM_001167625.2); c.6548G>A, p.Cys2183Tyr (NM_199460.4); c.6422G>A, p.Cys2141Tyr (NM_001129829.2); c.6383G>A, p.Cys2128Tyr (NM_001129831.2); c.6359G>A, p.Cys2120Tyr (NM_001129832.2); and 6 more; short protein forms C2089Y, C2097Y, C2100Y, C2106Y, C2108Y, C2117Y, C2119Y, C2120Y.
Identifiers: ClinVar variation 3625697 (VCV003625697.3).